The following is an entry in ClinVar:

NM_176795.5(HRAS):c.500dup (p.Pro169fs)

Genes: LRRC56 (leucine rich repeat containing 56; plus strand), HRAS (HRas proto-oncogene, GTPase; minus strand). Cytogenetic location: 11p15.5.
Variant type: Duplication.
Coding change: c.500dup on transcript NM_176795.5 (MANE Plus Clinical); coding-DNA position 500, one base duplicated (C; older notation c.500dupC).
Protein change: p.Pro169fs; shifts the reading frame from proline 169.
Molecular consequence: frameshift variant. On other transcripts: intron variant (3).
Genome position (GRCh38, 1-based): chr11:533,309, G duplicated on the plus strand (C on the coding strand, the reverse complement: HRAS is on the minus strand); the first of 6 consecutive G bases (chr11:533,309-533,314); duplicating any one gives the same sequence. VCF-style (leftmost placement, unchanged base first): chr11-533308-C-CG. GRCh37 (hg19) VCF-style: chr11-533308-C-CG.
Other names: NM_176795.5(HRAS):c.500dup; p.Pro169fs; c.181dup, p.Arg61fs (NM_001318054.2); c.450+144dup (NM_005343.4, NM_001130442.3); c.450+139dup (NM_005343.4); short protein forms P169fs, R61fs.
Identifiers: ClinVar variation 522672 (VCV000522672.13), dbSNP rs35613389, ClinGen allele CA5779260.

ClinVar aggregate classification (germline): Conflicting classifications of pathogenicity. Review status: criteria provided, conflicting classifications (1 of 4 stars). 3 submissions from 3 submitters: Uncertain significance (2); Likely benign (1). Last evaluated 2025-07-01.

Conditions:
Costello syndrome (CSTLO). Also called: FCS SYNDROME; HRAS-Related Costello Syndrome; FACIOCUTANEOSKELETAL SYNDROME. Identifiers: Orphanet 3071, MedGen C0587248, MONDO:0009026, OMIM 218040.
Congenital fibrosis of extraocular muscles. Also called: Congenital Fibrosis of the Extraocular Muscles. Identifiers: Orphanet 45358, MedGen C1302995, MONDO:0007614, HP:0001491.

Submissions (3):

CeGaT Center for Human Genetics Tuebingen
Classification: Likely benign. Last evaluated: 2025-07-01. Review status: criteria provided, single submitter. Criteria: CeGaT Center For Human Genetics Tuebingen Variant Classification Criteria Version 2. Collection method: clinical testing. Allele origin: germline. Affected: yes. Observed: 1 variant allele.
Comment: HRAS: BS2

Broad Center for Mendelian Genomics, Broad Institute of MIT and Harvard
Classification: Uncertain significance for Congenital fibrosis of extraocular muscles. Last evaluated: 2024-02-26. Review status: criteria provided, single submitter. Criteria: ACMG Guidelines, 2015. Collection method: curation. Allele origin: germline. Inheritance: Autosomal dominant inheritance.
Comment: While this gene has a definitive gene-disease association with Costello Syndrome, it is lacking sufficient evidence to establish a gene-disease relationship with CFEOM. We believe this is a possible novel gene candidate for CFEOM. Given the limited information about this gene-disease relationship, the significance of the c.450+144dup variant is uncertain. If you have any additional information about functional evidence or other individuals with this phenotype that also have variants in HRAS we encourage you to reach out to the Engle Lab.

Genomic Research Center, Shahid Beheshti University of Medical Sciences
Classification: Uncertain significance for Costello syndrome. Last evaluated: 2020-05-03. Review status: criteria provided, single submitter. Criteria: ACMG Guidelines, 2015. Collection method: clinical testing. Allele origin: unknown. Affected: yes.